The following is an entry in ClinVar:

NM_018897.3(DNAH7):c.561C>T (p.His187=)

Gene: DNAH7 (dynein axonemal heavy chain 7; minus strand). Cytogenetic location: 2q32.3.
Variant type: single nucleotide variant.
Coding change: c.561C>T on transcript NM_018897.3 (MANE Select); coding-DNA position 561, C replaced by T.
Protein change: p.His187=; no amino-acid change (histidine 187 retained).
Molecular consequence: synonymous variant.
Genome position (GRCh38, 1-based): chr2:196,026,866, G>A on the plus strand (C>T on the coding strand, the complement: DNAH7 is on the minus strand). VCF-style: chr2-196026866-G-A. GRCh37 (hg19) VCF-style: chr2-196891590-G-A.
Identifiers: ClinVar variation 731794 (VCV000731794.5), dbSNP rs183696755, ClinGen allele CA2036943.

ClinVar aggregate classification (germline): Benign. Review status: criteria provided, single submitter (1 of 4 stars). 2 submissions from 2 submitters: Benign (1). 1 of the submissions does not count toward it. Last evaluated 2018-02-05.

Conditions:
DNAH7-related disorder. Also called: DNAH7-related condition.

Allele frequency attached by ClinVar (database versions not stated): gnomAD 0.00013 and 0.00021; gnomAD exomes 0.00021 and 0.00043; TOPMed 0.00031; ExAC 0.00036; 1000 Genomes Project 30x 0.00156; 1000 Genomes Project 0.00160.
gnomAD v4.1: 335 of 1,612,148 alleles (0.021%); highest among the groups gnomAD compares: East Asian, 0.69%; no homozygotes.

Submissions (2):

Labcorp Genetics (formerly Invitae), Labcorp
Classification: Benign. Last evaluated: 2018-02-05. Review status: criteria provided, single submitter. Criteria: Invitae Variant Classification Sherloc (09022015). Collection method: clinical testing. Allele origin: germline.

PreventionGenetics, part of Exact Sciences
Classification: Likely benign for DNAH7-related condition. Last evaluated: 2019-09-13. Review status: no assertion criteria provided. Collection method: clinical testing. Allele origin: germline. Not counted in ClinVar's aggregate classification.
Comment: This variant is classified as likely benign based on ACMG/AMP sequence variant interpretation guidelines (Richards et al. 2015 PMID: 25741868, with internal and published modifications).